The following is an entry in ClinVar:

NM_022168.4(IFIH1):c.97G>T (p.Asp33Tyr)

Gene: IFIH1 (interferon induced with helicase C domain 1; minus strand). Cytogenetic location: 2q24.2.
Variant type: single nucleotide variant.
Coding change: c.97G>T on transcript NM_022168.4 (MANE Select); coding-DNA position 97, G replaced by T.
Protein change: p.Asp33Tyr; replaces aspartic acid 33 with tyrosine.
Molecular consequence: missense variant.
Genome position (GRCh38, 1-based): chr2:162,318,211, C>A on the plus strand (G>T on the coding strand, the complement: IFIH1 is on the minus strand). VCF-style: chr2-162318211-C-A. GRCh37 (hg19) VCF-style: chr2-163174721-C-A.
Other names: c.97G>T (NM_022168.3); short protein forms D33Y.
Identifiers: ClinVar variation 2939582 (VCV002939582.5), dbSNP rs376719866, ClinGen allele CA1934894.

ClinVar aggregate classification (germline): Uncertain significance. Review status: criteria provided, multiple submitters, no conflicts (2 of 4 stars). 3 submissions from 3 submitters: Uncertain significance (3). Last evaluated 2024-01-29.

Conditions:
Aicardi-Goutieres syndrome 7 (AGS7). Identifiers: Orphanet 51, MedGen C3888244, MONDO:0014367, OMIM 615846.
Singleton-Merten syndrome 1 (SGMRT1). Also called: Widened medullary cavities of bone, aortic calcification, abnormal dentition, and muscular weakness; Syndrome of widened medullary cavities of the metacarpals and phalanges, aortic calcification and abnormal dentition. Identifiers: Orphanet 85191, MedGen C4225427, MONDO:0024535, OMIM 182250.

Allele frequency attached by ClinVar (database versions not stated): ExAC 0.00001; gnomAD exomes 0.00001; ESP Exome Variant Server 0.00008.
gnomAD v4.1: 10 of 1,614,172 alleles (0.00062%); highest among the groups gnomAD compares: Non-Finnish European, 0.00085%; no homozygotes.

Submissions (3):

Labcorp Genetics (formerly Invitae), Labcorp
Classification: Uncertain significance for Aicardi-Goutieres syndrome 7; Singleton-Merten syndrome 1. Last evaluated: 2024-01-29. Review status: criteria provided, single submitter. Criteria: Invitae Variant Classification Sherloc (09022015). Collection method: clinical testing. Allele origin: germline.
Comment: This sequence change replaces aspartic acid, which is acidic and polar, with tyrosine, which is neutral and polar, at codon 33 of the IFIH1 protein (p.Asp33Tyr). This variant is present in population databases (rs376719866, gnomAD 0.0009%). This variant has not been reported in the literature in individuals affected with IFIH1-related conditions. Advanced modeling of protein sequence and biophysical properties (such as structural, functional, and spatial information, amino acid conservation, physicochemical variation, residue mobility, and thermodynamic stability) has been performed at Invitae for this missense variant, however the output from this modeling did not meet the statistical confidence thresholds required to predict the impact of this variant on IFIH1 protein function. In summary, the available evidence is currently insufficient to determine the role of this variant in disease. Therefore, it has been classified as a Variant of Uncertain Significance.

3billion
Classification: Uncertain significance for Aicardi-Goutieres syndrome 7. Last evaluated: 2023-10-12. Review status: criteria provided, single submitter. Criteria: ACMG Guidelines, 2015. Collection method: clinical testing. Allele origin: germline. Affected: yes.
Comment: The variant is observed at an extremely low frequency in the gnomAD v2.1.1 dataset (total allele frequency: 0.000%). Predicted Consequence/Location: Missense changes are a common disease-causing mechanism. Therefore, this variant is classified as VUS according to the recommendation of ACMG/AMP guideline.

GeneDx
Classification: Uncertain significance. Last evaluated: 2023-06-16. Review status: criteria provided, single submitter. Criteria: GeneDx Variant Classification Process June 2021. Collection method: clinical testing. Allele origin: germline. Affected: yes.
Comment: Not observed at significant frequency in large population cohorts (gnomAD); In silico analysis supports that this missense variant has a deleterious effect on protein structure/function; Has not been previously published as pathogenic or benign to our knowledge